The following is an entry in ClinVar:

NM_033159.4(HYAL1):c.315C>G (p.His105Gln)

Gene: HYAL1 (hyaluronidase 1; minus strand). Cytogenetic location: 3p21.31.
Variant type: single nucleotide variant.
Coding change: c.315C>G on transcript NM_033159.4 (MANE Select); coding-DNA position 315, C replaced by G.
Protein change: p.His105Gln; replaces histidine 105 with glutamine.
Molecular consequence: missense variant. On other transcripts: non-coding transcript variant (1), intron variant (2).
Genome position (GRCh38, 1-based): chr3:50,302,642, G>C on the plus strand (C>G on the coding strand, the complement: HYAL1 is on the minus strand). VCF-style: chr3-50302642-G-C. GRCh37 (hg19) VCF-style: chr3-50340073-G-C.
Other names: c.315C>G, p.His105Gln (NM_007312.3, NM_153281.2, NM_153282.3); c.-26-437C>G (NM_153285.3); c.-213-19C>G (NM_153283.3); short protein forms H105Q.
Identifiers: ClinVar variation 2162509 (VCV002162509.1), dbSNP rs368883708, ClinGen allele CA2415976.

ClinVar aggregate classification (germline): Uncertain significance (1 of 4 stars; one submission).

Conditions:
Deficiency of hyaluronoglucosaminidase (MPS9). Also called: MPS IX; HYALURONIDASE DEFICIENCY; Mucopolysaccharidosis type 9. Identifiers: Orphanet 67041, MedGen C1291490, MONDO:0011093, OMIM 601492.

Allele frequency attached by ClinVar (database versions not stated): gnomAD 0.00002; ExAC 0.00004; TOPMed 0.00005; ESP Exome Variant Server 0.00008.
gnomAD v4.1: 33 of 1,614,074 alleles (0.002%); highest among the groups gnomAD compares: Admixed American, 0.02%; no homozygotes.

Submission:

Labcorp Genetics (formerly Invitae), Labcorp
Classification: Uncertain significance for Deficiency of hyaluronoglucosaminidase. Last evaluated: 2022-07-09. Review status: criteria provided, single submitter. Criteria: Invitae Variant Classification Sherloc (09022015). Collection method: clinical testing. Allele origin: germline.
Comment: This sequence change replaces histidine, which is basic and polar, with glutamine, which is neutral and polar, at codon 105 of the HYAL1 protein (p.His105Gln). This variant is present in population databases (rs368883708, gnomAD 0.03%). This variant has not been reported in the literature in individuals affected with HYAL1-related conditions. Algorithms developed to predict the effect of missense changes on protein structure and function are either unavailable or do not agree on the potential impact of this missense change (SIFT: "Deleterious"; PolyPhen-2: "Probably Damaging"; Align-GVGD: "Class C15"). Algorithms developed to predict the effect of sequence changes on RNA splicing suggest that this variant may create or strengthen a splice site. In summary, the available evidence is currently insufficient to determine the role of this variant in disease. Therefore, it has been classified as a Variant of Uncertain Significance.